The following is an entry in ClinVar:

ClinVar aggregate classification (germline): Uncertain significance (1 of 4 stars; one submission).

Conditions:
Duchenne muscular dystrophy (DMD). Also called: MUSCULAR DYSTROPHY, PSEUDOHYPERTROPHIC PROGRESSIVE, DUCHENNE TYPE; Duchenne Muscular Dystrophy (DMD). Identifiers: Orphanet 98896, MedGen C0013264, MONDO:0010679, OMIM 310200.

Submission:

Labcorp Genetics (formerly Invitae), Labcorp
Classification: Uncertain significance for Duchenne muscular dystrophy. Last evaluated: 2020-04-06. Review status: criteria provided, single submitter. Criteria: Invitae Variant Classification Sherloc (09022015). Collection method: clinical testing. Allele origin: germline.
Comment: This variant results in a copy number gain of the genomic region encompassing exons 1-7 of the DMD gene. The 5' end of this event is unknown as it extends beyond the assayed region for this gene and therefore may encompass additional genes. The 3' boundary is likely confined to intron 7 of the DMD gene. As the precise location of this event is unknown, it may be in tandem or it may be located elsewhere in the genome. This variant has been observed in an individual affected with Duchenne muscular dystrophy (PMID:¬†21515508). Experimental studies and prediction algorithms are not available for this variant, and the functional significance of the affected amino acid(s) is currently unknown. In summary, the available evidence is currently insufficient to determine the role of this variant in disease. Therefore, it has been classified as a Variant of Uncertain Significance.

Literature cited by the submitters: PubMed 21515508.

NC_000023.10:g.(?_32827600)_33229483dup

Gene: DMD (dystrophin; minus strand).
Variant type: Duplication.
Identifiers: ClinVar variation 1062576 (VCV001062576.2).